The following is an entry in ClinVar:

NM_016203.4(PRKAG2):c.*3G>A

Gene: PRKAG2 (protein kinase AMP-activated non-catalytic subunit gamma 2; minus strand). Cytogenetic location: 7q36.1.
Variant type: single nucleotide variant.
Coding change: c.*3G>A on transcript NM_016203.4 (MANE Select); 3 bases downstream of the stop codon, G replaced by A.
Molecular consequence: 3 prime UTR variant.
Genome position (GRCh38, 1-based): chr7:151,557,198, C>T on the plus strand (G>A on the coding strand, the complement: PRKAG2 is on the minus strand). VCF-style: chr7-151557198-C-T. GRCh37 (hg19) VCF-style: chr7-151254284-C-T.
Other names: c.*3G>A; c.*3G>A (NM_001040633.2, NM_001304527.2, NM_001304531.2 and 2 more transcripts).
Identifiers: ClinVar variation 45684 (VCV000045684.33), dbSNP rs113234987, ClinGen allele CA014180.

ClinVar aggregate classification (germline): Benign/Likely benign. Review status: criteria provided, multiple submitters, no conflicts (2 of 4 stars). 14 submissions from 13 submitters: Benign (7); Likely benign (4). 3 of the submissions do not count toward it. Last evaluated 2025-04-09.

Conditions:
Cardiovascular phenotype. Identifiers: MedGen CN230736.
Cardiomyopathy (CMYO). Also called: Cardiomyopathies. Identifiers: Orphanet 167848, MedGen C0878544, MONDO:0004994, HP:0001638. Inheritance: Various modes of inheritance.
Hypertrophic cardiomyopathy 6. Identifiers: MedGen C1833236, MONDO:0010946, OMIM 600858.
Wolff-Parkinson-White pattern. Also called: WPW SYNDROME; Auriculoventricular accessory pathway syndrome; False bundle branch block syndrome; Anomalous ventricular excitation syndrome. Identifiers: MedGen C0043202, MONDO:0008685, OMIM 194200, HP:0001716.

Allele frequency attached by ClinVar (database versions not stated): gnomAD exomes 0.00233; ExAC 0.00283; 1000 Genomes Project 0.00899; gnomAD 0.00904 and 0.00973; 1000 Genomes Project 30x 0.00906; TOPMed 0.00998; ESP Exome Variant Server 0.01176.

Submissions (14):

Molecular Diagnostic Laboratory for Inherited Cardiovascular Disease, Montreal Heart Institute
Classification: Likely benign. Last evaluated: 2025-04-09. Review status: criteria provided, single submitter. Criteria: ACMG Guidelines, 2015. Collection method: clinical testing. Allele origin: germline. Affected: no.

ARUP Laboratories, Molecular Genetics and Genomics, ARUP Laboratories
Classification: Benign. Last evaluated: 2022-09-13. Review status: criteria provided, single submitter. Criteria: ARUP Molecular Germline Variant Investigation Process 2021. Collection method: clinical testing. Allele origin: germline.

Color Diagnostics, LLC DBA Color Health
Classification: Benign for Cardiomyopathy. Last evaluated: 2018-04-02. Review status: criteria provided, single submitter. Criteria: ACMG Guidelines, 2015. Collection method: clinical testing. Allele origin: germline.

Illumina Laboratory Services, Illumina
Classification: Likely benign for Wolff-Parkinson-White pattern. Last evaluated: 2018-01-12. Review status: criteria provided, single submitter. Criteria: ICSL Variant Classification Criteria 13 December 2019. Collection method: clinical testing. Allele origin: germline.
Comment: This variant was observed in the ICSL laboratory as part of a predisposition screen in an ostensibly healthy population. It had not been previously curated by ICSL or reported in the Human Gene Mutation Database (HGMD: prior to June 1st, 2018), and was therefore a candidate for classification through an automated scoring system. Utilizing variant allele frequency, disease prevalence and penetrance estimates, and inheritance mode, an automated score was calculated to assess if this variant is too frequent to cause the disease. Based on the score and internal cut-off values, a variant classified as likely benign is not then subjected to further curation. The score for this variant resulted in a classification of likely benign for this disease.

Illumina Laboratory Services, Illumina
Classification: Likely benign for Hypertrophic cardiomyopathy 6. Last evaluated: 2018-01-12. Review status: criteria provided, single submitter. Criteria: ICSL Variant Classification Criteria 13 December 2019. Collection method: clinical testing. Allele origin: germline.
Comment: the same text as in the submission from Illumina Laboratory Services, Illumina above.

Women's Health and Genetics/Laboratory Corporation of America, LabCorp
Classification: Benign. Last evaluated: 2017-02-06. Review status: criteria provided, single submitter. Criteria: LabCorp Variant Classification Summary - May 2015. Collection method: clinical testing. Allele origin: germline.

CHEO Genetics Diagnostic Laboratory, Children's Hospital of Eastern Ontario
Classification: Benign for Cardiomyopathy. Last evaluated: 2015-08-24. Review status: criteria provided, single submitter. Criteria: ACMG Guidelines, 2015. Collection method: clinical testing. Allele origin: germline. Study: Canadian Open Genetics Repository.

GeneDx
Classification: Benign. Last evaluated: 2015-03-03. Review status: criteria provided, single submitter. Criteria: GeneDx Variant Classification Process June 2021. Collection method: clinical testing. Allele origin: germline. Affected: yes.

Ambry Genetics
Classification: Benign for Cardiovascular phenotype. Last evaluated: 2014-12-08. Review status: criteria provided, single submitter. Criteria: Ambry Variant Classification Scheme 2023. Collection method: clinical testing. Allele origin: germline.

Laboratory for Molecular Medicine, Mass General Brigham Personalized Medicine
Classification: Benign. Last evaluated: 2012-01-13. Review status: criteria provided, single submitter. Criteria: LMM Criteria. Collection method: clinical testing. Allele origin: germline. Observed: 24 variant alleles.
Comment: *3G>A in the 3' UTR of PRKAG2: This variant is classified as benign based on its high frequency in the general population (rs113234987; NHLBI Exome Sequencing P roject; MAF >3%).

Breakthrough Genomics
Classification: Likely benign. Review status: criteria provided, single submitter. Criteria: ACMG Guidelines, 2015. Collection method: not provided. Allele origin: germline. Inheritance: Autosomal dominant inheritance. Affected: yes.

Mayo Clinic Laboratories, Mayo Clinic
Classification: Benign. Last evaluated: 2015-10-23. Review status: no assertion criteria provided. Collection method: clinical testing. Allele origin: unknown. Not counted in ClinVar's aggregate classification.

Clinical Genetics DNA and cytogenetics Diagnostics Lab, Erasmus MC, Erasmus Medical Center
Classification: Benign. Review status: no assertion criteria provided. Collection method: clinical testing. Allele origin: germline. Affected: yes. Study: VKGL Data-share Consensus. Not counted in ClinVar's aggregate classification.

Clinical Genetics, Academic Medical Center
Classification: Benign. Review status: no assertion criteria provided. Collection method: clinical testing. Allele origin: germline. Affected: yes. Study: VKGL Data-share Consensus. Not counted in ClinVar's aggregate classification.